The following is an entry in ClinVar:

ClinVar aggregate classification (germline): Uncertain significance (1 of 4 stars; one submission).

Conditions:
Primary ciliary dyskinesia. Also called: Ciliary dyskinesia. Identifiers: Orphanet 244, MedGen C0008780, MONDO:0016575, HP:0012265.

Submission:

Labcorp Genetics (formerly Invitae), Labcorp
Classification: Uncertain significance for Primary ciliary dyskinesia. Last evaluated: 2019-10-20. Review status: criteria provided, single submitter. Criteria: Invitae Variant Classification Sherloc (09022015). Collection method: clinical testing. Allele origin: germline.
Comment: This variant is a gross duplication of the genomic region encompassing exons 19-20 of the CCDC40 gene. The 5' boundary is likely confined to intron 18. The 3' end of this event is unknown as it extends beyond the assayed region for this gene and therefore may encompass additional genes. The exact location of this variant in the genome is unknown. This particular copy number variant has not been reported in the literature in individuals with a CCDC40-related disease In summary, the exact genomic location of this variant is unknown and the impact of this duplication on CCDC40 protein function has not been established. Therefore, it has been classified as a Variant of Uncertain Significance.

NC_000017.10:g.(?_78071024)_(78073594_?)dup

Gene: CCDC40 (coiled-coil domain 40 molecular ruler complex subunit; plus strand). Cytogenetic location: 17q25.3.
Variant type: Duplication.
Identifiers: ClinVar variation 1000340 (VCV001000340.1).